The following is an entry in ClinVar:

ClinVar aggregate classification (germline): Conflicting classifications of pathogenicity. Review status: criteria provided, conflicting classifications (1 of 4 stars). 5 submissions from 5 submitters: Uncertain significance (1); Likely benign (4). Last evaluated 2026-01-19.

Conditions:
Ellis-van Creveld syndrome (EVC). Also called: Chondroectodermal dysplasia; MESOECTODERMAL DYSPLASIA. Identifiers: Orphanet 289, MedGen C0013903, MONDO:0009162, OMIM 225500.
Curry-Hall syndrome (WAD). Also called: WEYERS ACRODENTAL DYSOSTOSIS. Identifiers: Orphanet 952, MedGen C0457013, MONDO:0008673, OMIM 193530.
EVC2-related disorder. Also called: EVC2-related condition.

Allele frequency attached by ClinVar (database versions not stated): gnomAD 0.00009; TOPMed 0.00014; gnomAD exomes 0.00018 and 0.00026; ESP Exome Variant Server 0.00023.

Submissions (5):

Labcorp Genetics (formerly Invitae), Labcorp
Classification: Likely benign for Curry-Hall syndrome; Ellis-van Creveld syndrome. Last evaluated: 2026-01-19. Review status: criteria provided, single submitter. Criteria: Invitae Variant Classification Sherloc (09022015). Collection method: clinical testing. Allele origin: germline.

PreventionGenetics, part of Exact Sciences
Classification: Likely benign for EVC2-related condition. Last evaluated: 2025-04-23. Review status: criteria provided, single submitter. Criteria: ACMG Guidelines, 2015. Collection method: clinical testing. Allele origin: germline.
Comment: This variant is classified as likely benign based on ACMG/AMP sequence variant interpretation guidelines (Richards et al. 2015 PMID: 25741868, with internal and published modifications).

Blueprint Genetics
Classification: Likely benign. Last evaluated: 2023-09-07. Review status: criteria provided, single submitter. Criteria: ACMG Guidelines, 2015. Collection method: clinical testing. Allele origin: germline.

GeneDx
Classification: Likely benign. Last evaluated: 2020-05-26. Review status: criteria provided, single submitter. Criteria: GeneDx Variant Classification Process June 2021. Collection method: clinical testing. Allele origin: germline. Affected: yes.

Eurofins Ntd Llc (ga)
Classification: Uncertain significance. Last evaluated: 2017-07-20. Review status: criteria provided, single submitter. Criteria: EGL Classification Definitions 2015. Collection method: clinical testing. Allele origin: germline. Observed: 1 variant allele, 1 heterozygote.

NM_147127.5(EVC2):c.765C>T (p.Asn255=)

Gene: EVC2 (EvC ciliary complex subunit 2; minus strand). Cytogenetic location: 4p16.2.
Variant type: single nucleotide variant.
Coding change: c.765C>T on transcript NM_147127.5 (MANE Select); coding-DNA position 765, C replaced by T.
Protein change: p.Asn255=; no amino-acid change (asparagine 255 retained).
Molecular consequence: synonymous variant.
Genome position (GRCh38, 1-based): chr4:5,685,421, G>A on the plus strand (C>T on the coding strand, the complement: EVC2 is on the minus strand). VCF-style: chr4-5685421-G-A. GRCh37 (hg19) VCF-style: chr4-5687148-G-A.
Other names: c.525C>T, p.Asn175= (NM_001166136.2).
Identifiers: ClinVar variation 593091 (VCV000593091.21), dbSNP rs139129327, ClinGen allele CA2835309.